The following is an entry in ClinVar:

NM_005732.4(RAD50):c.286G>A (p.Val96Met)

Gene: RAD50 (RAD50 double strand break repair protein; plus strand). Cytogenetic location: 5q31.1.
Variant type: single nucleotide variant.
Coding change: c.286G>A on transcript NM_005732.4 (MANE Select); coding-DNA position 286, G replaced by A.
Protein change: p.Val96Met; replaces valine 96 with methionine.
Molecular consequence: missense variant.
Genome position (GRCh38, 1-based): chr5:132,575,849, G>A. VCF-style: chr5-132575849-G-A. GRCh37 (hg19) VCF-style: chr5-131911541-G-A.
Other names: short protein forms V96M.
Identifiers: ClinVar variation 3572255 (VCV003572255.1).

ClinVar aggregate classification (germline): Uncertain significance (1 of 4 stars; one submission).

Submission:

Quest Diagnostics Nichols Institute San Juan Capistrano
Classification: Uncertain significance. Last evaluated: 2024-07-22. Review status: criteria provided, single submitter. Criteria: Quest Diagnostics criteria. Collection method: clinical testing. Allele origin: unknown.
Comment: The RAD50 c.286G>A (p.Val96Met) variant has not been reported in individuals with RAD50-related conditions in the published literature. It also has not been reported in large, multi-ethnic general populations (Genome Aggregation Database). Analysis of this variant using bioinformatics tools for the prediction of the effect of amino acid changes on protein structure and function yielded conflicting predictions that this variant is benign or damaging. Based on the available information, we are unable to determine the clinical significance of this variant.